The following is an entry in ClinVar:

ClinVar aggregate classification (germline): Uncertain significance (1 of 4 stars; one submission).

Conditions:
Ataxia-telangiectasia syndrome (AT). Also called: ATAXIA-TELANGIECTASIA, COMPLEMENTATION GROUP A; Ataxia telangiectasia (A-T); Cerebello-oculocutaneous telangiectasia; Immunodeficiency with ataxia telangiectasia; LOUIS-BAR SYNDROME; ATAXIA-TELANGIECTASIA, FRESNO VARIANT. Identifiers: Orphanet 100, MedGen C0004135, MONDO:0008840, OMIM 208900.

Allele frequency attached by ClinVar (database versions not stated): gnomAD exomes below 0.00001.
gnomAD v4.1: 1 of 1,582,372 alleles (0.000063%); highest among the groups gnomAD compares: Non-Finnish European, 0.000087%; no homozygotes.

Submission:

Labcorp Genetics (formerly Invitae), Labcorp
Classification: Uncertain significance for Ataxia-telangiectasia syndrome. Last evaluated: 2023-01-20. Review status: criteria provided, single submitter. Criteria: Invitae Variant Classification Sherloc (09022015). Collection method: clinical testing. Allele origin: germline.
Comment: This variant is not present in population databases (gnomAD no frequency). This sequence change replaces lysine, which is basic and polar, with arginine, which is basic and polar, at codon 1550 of the ATM protein (p.Lys1550Arg). This variant has not been reported in the literature in individuals affected with ATM-related conditions. In summary, the available evidence is currently insufficient to determine the role of this variant in disease. Therefore, it has been classified as a Variant of Uncertain Significance. Algorithms developed to predict the effect of missense changes on protein structure and function (SIFT, PolyPhen-2, Align-GVGD) all suggest that this variant is likely to be tolerated.

NM_000051.4(ATM):c.4649A>G (p.Lys1550Arg)

Gene: ATM (ATM serine/threonine kinase; plus strand). Cytogenetic location: 11q22.3.
Variant type: single nucleotide variant.
Coding change: c.4649A>G on transcript NM_000051.4 (MANE Select); coding-DNA position 4649, A replaced by G.
Protein change: p.Lys1550Arg; replaces lysine 1550 with arginine.
Molecular consequence: missense variant.
Genome position (GRCh38, 1-based): chr11:108,293,350, A>G. VCF-style: chr11-108293350-A-G. GRCh37 (hg19) VCF-style: chr11-108164077-A-G.
Other names: c.4649A>G, p.Lys1550Arg (NM_001351834.2); short protein forms K1550R.
Identifiers: ClinVar variation 2823337 (VCV002823337.3), dbSNP rs2546930603, ClinGen allele CA382534647.